The following is an entry in ClinVar:

ClinVar aggregate classification (germline): Pathogenic (1 of 4 stars; one submission).

Conditions:
Encephalopathy due to GLUT1 deficiency. Also called: GLUCOSE TRANSPORT DEFECT, BLOOD-BRAIN BARRIER; Glucose transporter protein syndrome; Classic Glucose Transporter Type 1 Deficiency Syndrome; GLUT1 deficiency syndrome 1, infantile onset, severe; De Vivo disease; GLUT1 deficiency syndrome 1. Identifiers: Orphanet 71277, MedGen C4551966, MONDO:0011724, OMIM 606777.

Submission:

Centro de Biología Molecular Severo Ochoa, Universidad Autónoma de Madrid
Classification: Pathogenic for Encephalopathy due to GLUT1 deficiency. Last evaluated: 2025-11-10. Review status: criteria provided, single submitter. Criteria: ACMG Guidelines, 2015. Collection method: clinical testing. Allele origin: unknown. Inheritance: Autosomal dominant inheritance. Affected: yes.
Comment: Since the variant is not present in population frequency databases, the results of the functional studies show an alteration at mRNA expression and chromatine level and the phenotype of the patient is compatible with defects in this gene, we classify this variant as pathogenic according to ACMG guidelines

NG_008232.1:g.(42917352_42925352)insLINE

Gene: SLC2A1 (solute carrier family 2 member 1; minus strand).
Variant type: Insertion.
Identifiers: ClinVar variation 4530685 (VCV004530685.1).